The following is an entry in ClinVar:

ClinVar aggregate classification (germline): Pathogenic/Likely pathogenic. Review status: criteria provided, multiple submitters, no conflicts (2 of 4 stars). 3 submissions from 3 submitters: Pathogenic (1); Likely pathogenic (2). Last evaluated 2025-03-10.

Conditions:
Infantile cerebral and cerebellar atrophy with postnatal progressive microcephaly (MSBA). Identifiers: Orphanet 402364, MedGen C3150921, MONDO:0013351, OMIM 613668.

Allele frequency attached by ClinVar (database versions not stated): gnomAD exomes below 0.00001; ExAC 0.00001.
gnomAD v4.1: 2 of 1,614,114 alleles (0.00012%); highest among the groups gnomAD compares: South Asian, 0.0011%; no homozygotes.

Submissions (3):

Natera, Inc.
Classification: Likely pathogenic for Postnatal progressive microcephaly with seizures and brain atrophy. Last evaluated: 2025-03-10. Review status: criteria provided, single submitter. Criteria: Natera Variant Classification Schema (03/2026). Collection method: clinical testing. Allele origin: germline.
Comment: The c.589C>T variant in MED17 is a nonsense variant predicted to introduce a stop codon at amino acid 197. This variant is expected to result in nonsense mediated decay, truncation, or a dysfunctional protein product. This variant is rare in the general population with a frequency below the threshold expected for the associated phenotype(s). Given the available evidence, this variant is classified as Likely Pathogenic.

Fulgent Genetics
Classification: Likely pathogenic for Infantile cerebral and cerebellar atrophy with postnatal progressive microcephaly. Last evaluated: 2024-05-29. Review status: criteria provided, single submitter. Criteria: ACMG Guidelines, 2015. Collection method: clinical testing. Allele origin: germline.

Labcorp Genetics (formerly Invitae), Labcorp
Classification: Pathogenic. Last evaluated: 2023-03-04. Review status: criteria provided, single submitter. Criteria: Invitae Variant Classification Sherloc (09022015). Collection method: clinical testing. Allele origin: germline.
Comment: This sequence change creates a premature translational stop signal (p.Arg197*) in the MED17 gene. It is expected to result in an absent or disrupted protein product. Loss-of-function variants in MED17 are known to be pathogenic (PMID: 20950787, 26004231, 30345598). This variant is present in population databases (rs746738191, gnomAD 0.003%). For these reasons, this variant has been classified as Pathogenic. ClinVar contains an entry for this variant (Variation ID: 942991). This variant has not been reported in the literature in individuals affected with MED17-related conditions.

Literature cited by the submitters: PubMed 20950787 (cited by Labcorp Genetics (formerly Invitae), Labcorp); PubMed 26004231 (cited by Labcorp Genetics (formerly Invitae), Labcorp); PubMed 30345598 (cited by Labcorp Genetics (formerly Invitae), Labcorp).

NM_004268.5(MED17):c.589C>T (p.Arg197Ter)

Gene: MED17 (mediator complex subunit 17; plus strand). Cytogenetic location: 11q21.
Variant type: single nucleotide variant.
Coding change: c.589C>T on transcript NM_004268.5 (MANE Select); coding-DNA position 589, C replaced by T.
Protein change: p.Arg197Ter; replaces arginine 197 with a stop codon.
Molecular consequence: nonsense.
Genome position (GRCh38, 1-based): chr11:93,790,745, C>T. VCF-style: chr11-93790745-C-T. GRCh37 (hg19) VCF-style: chr11-93523911-C-T.
Other names: short protein forms R197*.
Identifiers: ClinVar variation 942991 (VCV000942991.9), dbSNP rs746738191, ClinGen allele CA6232356.